The following is an entry in ClinVar:

ClinVar aggregate classification (germline): Uncertain significance (1 of 4 stars; one submission).

gnomAD v4.1: 1 of 1,584,384 alleles (0.000063%); no homozygotes.

Submission:

Labcorp Genetics (formerly Invitae), Labcorp
Classification: Uncertain significance. Last evaluated: 2022-06-13. Review status: criteria provided, single submitter. Criteria: Invitae Variant Classification Sherloc (09022015). Collection method: clinical testing. Allele origin: germline.
Comment: This sequence change replaces threonine, which is neutral and polar, with methionine, which is neutral and non-polar, at codon 918 of the MYO15A protein (p.Thr918Met). This variant is not present in population databases (gnomAD no frequency). In summary, the available evidence is currently insufficient to determine the role of this variant in disease. Therefore, it has been classified as a Variant of Uncertain Significance. Advanced modeling of protein sequence and biophysical properties (such as structural, functional, and spatial information, amino acid conservation, physicochemical variation, residue mobility, and thermodynamic stability) performed at Invitae indicates that this missense variant is not expected to disrupt MYO15A protein function. This variant has not been reported in the literature in individuals affected with MYO15A-related conditions.

NM_016239.4(MYO15A):c.2753C>T (p.Thr918Met)

Gene: MYO15A (myosin XVA; plus strand). Cytogenetic location: 17p11.2.
Variant type: single nucleotide variant.
Coding change: c.2753C>T on transcript NM_016239.4 (MANE Select); coding-DNA position 2753, C replaced by T.
Protein change: p.Thr918Met; replaces threonine 918 with methionine.
Molecular consequence: missense variant.
Genome position (GRCh38, 1-based): chr17:18,121,553, C>T. VCF-style: chr17-18121553-C-T. GRCh37 (hg19) VCF-style: chr17-18024867-C-T.
Other names: short protein forms T918M.
Identifiers: ClinVar variation 1929233 (VCV001929233.5), dbSNP rs1012118319, ClinGen allele CA398585363.